The following is an entry in ClinVar:

ClinVar aggregate classification (germline): Likely benign. Review status: criteria provided, multiple submitters, no conflicts (2 of 4 stars). 3 submissions from 3 submitters: Likely benign (3). Last evaluated 2025-05-18.

Conditions:
Hereditary cancer-predisposing syndrome. Also called: Hereditary Cancer Syndrome; Neoplastic Syndromes, Hereditary; Tumor predisposition; Hereditary neoplastic syndrome. Identifiers: Orphanet 140162, MedGen C0027672, MeSH D009386, MONDO:0015356.
Familial cancer of breast. Also called: BREAST CANCER, FAMILIAL; Hereditary breast cancer; hereditary breast carcinoma. Identifiers: Orphanet 227535, MedGen C0346153, MONDO:0016419, OMIM 114480. Disease mechanism: loss of function.
Ataxia-telangiectasia syndrome (AT). Also called: Cerebello-oculocutaneous telangiectasia; Immunodeficiency with ataxia telangiectasia; Ataxia-telangiectasia, complementation group E; Ataxia-telangiectasia, complementation group D; AT, COMPLEMENTATION GROUP C; ATAXIA-TELANGIECTASIA, COMPLEMENTATION GROUP A. Identifiers: Orphanet 100, MedGen C0004135, MONDO:0008840, OMIM 208900.

Submissions (3):

Labcorp Genetics (formerly Invitae), Labcorp
Classification: Likely benign for Ataxia-telangiectasia syndrome. Last evaluated: 2025-05-18. Review status: criteria provided, single submitter. Criteria: Invitae Variant Classification Sherloc (09022015). Collection method: clinical testing. Allele origin: germline.

Myriad Genetics, Inc.
Classification: Likely benign for Familial cancer of breast. Last evaluated: 2024-06-13. Review status: criteria provided, single submitter. Criteria: Myriad Autosomal Dominant, Autosomal Recessive and X-Linked Classification Criteria (2023). Collection method: clinical testing. Allele origin: unknown.
Comment: This variant is considered likely benign. This variant is intronic and is not expected to impact mRNA splicing.

Color Diagnostics, LLC DBA Color Health
Classification: Likely benign for Hereditary cancer-predisposing syndrome. Last evaluated: 2017-10-26. Review status: criteria provided, single submitter. Criteria: ACMG Guidelines, 2015. Collection method: clinical testing. Allele origin: germline.

NM_000051.4(ATM):c.7308-10dup

Genes: ATM (ATM serine/threonine kinase; plus strand), C11orf65 (chromosome 11 open reading frame 65; minus strand). Cytogenetic location: 11q22.3.
Variant type: Duplication.
Coding change: c.7308-10dup on transcript NM_000051.4 (MANE Select); 10 bases into the intron before coding-DNA position 7308, one base duplicated (T; older notation c.7308-10dupT).
Molecular consequence: intron variant.
Genome position (GRCh38, 1-based): chr11:108,330,204, T duplicated; the last of 2 consecutive T bases (chr11:108,330,203-108,330,204); duplicating either gives the same sequence. VCF-style (leftmost placement, unchanged base first): chr11-108330202-A-AT. GRCh37 (hg19) VCF-style: chr11-108200929-A-AT.
Other names: c.7308-10dupT (NM_000051.3); c.7308-10dup (NM_001351834.2); c.641-21132dup (NM_001330368.2); c.*38+5017dup (NM_001351110.2).
Identifiers: ClinVar variation 490695 (VCV000490695.10), dbSNP rs1555122910, ClinGen allele CA658683747.